The following is an entry in ClinVar:

ClinVar aggregate classification (germline): Uncertain significance (1 of 4 stars; one submission).

Conditions:
Paroxysmal nonkinesigenic dyskinesia 1 (PNKD1). Also called: PxMD-PNKD; Familial Paroxysmal Nonkinesigenic Dyskinesia; Nonkinesigenic choreoathetosis; Familial paroxysmal choreoathetosis; PAROXYSMAL DYSTONIC CHOREOATHETOSIS; DYSTONIA 8. Identifiers: Orphanet 98810, MedGen C4551506, MONDO:0700089, OMIM 118800, MONDO:0007326.

Submission:

Neuberg Centre For Genomic Medicine, NCGM
Classification: Uncertain significance for Paroxysmal nonkinesigenic dyskinesia 1. Review status: criteria provided, single submitter. Criteria: ACMG Guidelines, 2015. Collection method: clinical testing. Allele origin: germline. Inheritance: Autosomal dominant inheritance. Affected: yes.
Comment: The missense variant p.L41P in PNKD (NM_015488.5) has not been reported previously as a pathogenic variant nor as a benign variant, to our knowledge. The p.L41P variant is novel (not in any individuals) in gnomAD Exomes and is novel (not in any individuals) in 1000 Genomes. There is a moderate physicochemical difference between leucine and proline. The p.L41P missense variant is predicted to be tolerated by both SIFT or PolyPhen2. The nucleotide c.122 in PNKD is not conserved according to a GERP++ and PhyloP analysis of 100 vertebrates. For these reasons, this variant has been classified as Uncertain Significance.

NM_015488.5(PNKD):c.122T>C (p.Leu41Pro)

Gene: PNKD (PNKD metallo-beta-lactamase domain containing; plus strand). Cytogenetic location: 2q35.
Variant type: single nucleotide variant.
Coding change: c.122T>C on transcript NM_015488.5 (MANE Select); coding-DNA position 122, T replaced by C.
Protein change: p.Leu41Pro; replaces leucine 41 with proline.
Molecular consequence: missense variant.
Genome position (GRCh38, 1-based): chr2:218,271,435, T>C. VCF-style: chr2-218271435-T-C. GRCh37 (hg19) VCF-style: chr2-219136158-T-C.
Other names: c.122T>C, p.Leu41Pro (NM_001077399.3); short protein forms L41P.
Identifiers: ClinVar variation 2627399 (VCV002627399.1), dbSNP rs2469256850, ClinGen allele CA350544669.
Genomic context (GRCh38, chr2:218,271,435, plus strand): 5'-CCACAGGGATTCTCGCAGGAGCCACAGCTAACAAGGCTTCTCATAACAGGACCCGGGCCC[T>C]GCAAAGCCACAGCTCCCCAGAGGGCAAGGAGGAACCTGAACCCCTATCCCCGGAGCTGGA-3'
Protein context (NP_056303.3, residues 31-51): NKASHNRTRA[Leu41Pro]QSHSSPEGKE